The following is an entry in ClinVar:

ClinVar aggregate classification (germline): Likely benign (1 of 4 stars; one submission).

Conditions:
COX7B-related disorder. Also called: COX7B-related condition.

gnomAD v4.1: 180 of 1,184,300 alleles (0.015%); highest among the groups gnomAD compares: Middle Eastern, 0.063%; no homozygotes.

Submission:

PreventionGenetics, part of Exact Sciences
Classification: Likely benign for COX7B-related condition. Last evaluated: 2026-03-18. Review status: criteria provided, single submitter. Criteria: ACMG Guidelines, 2015. Collection method: clinical testing. Allele origin: germline.
Comment: This variant is classified as likely benign based on ACMG/AMP sequence variant interpretation guidelines (Richards et al. 2015 PMID: 25741868, with internal and published modifications).

NM_001866.3(COX7B):c.*5C>T

Gene: COX7B (cytochrome c oxidase subunit 7B; plus strand). Cytogenetic location: Xq21.1.
Variant type: single nucleotide variant.
Coding change: c.*5C>T on transcript NM_001866.3 (MANE Select); 5 bases downstream of the stop codon, C replaced by T.
Molecular consequence: 3 prime UTR variant.
Genome position (GRCh38, 1-based): chrX:77,905,266, C>T. VCF-style: chrX-77905266-C-T. GRCh37 (hg19) VCF-style: chrX-77160763-C-T.
Identifiers: ClinVar variation 4981887 (VCV004981887.1).
Genomic context (GRCh38, chrX:77,905,266, plus strand): 5'-AATGGAACCTGTCCCCTGTTGGCAGAGTTACCCCAAAGGAATGGAGGAATCAGTAATCAT[C>T]CCAGCTGGTGTAATAATGAATTGTTTAAAAAACAGCTCATAATTGATGCCAAATTAAAGC-3'